The following is an entry in ClinVar:

NM_001352514.2(HLCS):c.1910C>T (p.Pro637Leu)

Gene: HLCS (holocarboxylase synthetase; minus strand). Cytogenetic location: 21q22.13.
Variant type: single nucleotide variant.
Coding change: c.1910C>T on transcript NM_001352514.2 (MANE Select); coding-DNA position 1910, C replaced by T.
Protein change: p.Pro637Leu; replaces proline 637 with leucine.
Molecular consequence: missense variant. On other transcripts: non-coding transcript variant (2).
Genome position (GRCh38, 1-based): chr21:36,767,268, G>A on the plus strand (C>T on the coding strand, the complement: HLCS is on the minus strand). VCF-style: chr21-36767268-G-A. GRCh37 (hg19) VCF-style: chr21-38139569-G-A.
Other names: c.1469C>T, p.Pro490Leu (NM_000411.8, NM_001242784.3, NM_001242785.2 and 4 more transcripts); short protein forms P490L, P637L.
Identifiers: ClinVar variation 971476 (VCV000971476.9), dbSNP rs536067980, ClinGen allele CA10020430.

ClinVar aggregate classification (germline): Uncertain significance. Review status: criteria provided, multiple submitters, no conflicts (2 of 4 stars). 3 submissions from 3 submitters: Uncertain significance (2). 1 of the submissions does not count toward it. Last evaluated 2024-11-07.

Conditions:
Holocarboxylase synthetase deficiency. Also called: MULTIPLE CARBOXYLASE DEFICIENCY, EARLY ONSET. Identifiers: Orphanet 79242, MedGen C0268581, MONDO:0009666, OMIM 253270.
Inborn genetic diseases. Identifiers: MedGen C0950123, MeSH D030342.

Allele frequency attached by ClinVar (database versions not stated): gnomAD exomes 0.00002 and 0.00004; gnomAD 0.00005; ExAC 0.00006; TOPMed 0.00006; 1000 Genomes Project 30x 0.00016; 1000 Genomes Project 0.00020.
gnomAD v4.1: 34 of 1,614,106 alleles (0.0021%); highest among the groups gnomAD compares: African/African-American, 0.025%; no homozygotes.

Submissions (3):

Ambry Genetics
Classification: Uncertain significance for Inborn genetic diseases. Last evaluated: 2024-11-07. Review status: criteria provided, single submitter. Criteria: Ambry Variant Classification Scheme 2023. Collection method: clinical testing. Allele origin: germline.

Labcorp Genetics (formerly Invitae), Labcorp
Classification: Uncertain significance for Holocarboxylase synthetase deficiency. Last evaluated: 2022-08-16. Review status: criteria provided, single submitter. Criteria: Invitae Variant Classification Sherloc (09022015). Collection method: clinical testing. Allele origin: germline.
Comment: This sequence change replaces proline, which is neutral and non-polar, with leucine, which is neutral and non-polar, at codon 490 of the HLCS protein (p.Pro490Leu). This variant is present in population databases (rs536067980, gnomAD 0.03%). This variant has not been reported in the literature in individuals affected with HLCS-related conditions. ClinVar contains an entry for this variant (Variation ID: 971476). Advanced modeling of protein sequence and biophysical properties (such as structural, functional, and spatial information, amino acid conservation, physicochemical variation, residue mobility, and thermodynamic stability) performed at Invitae indicates that this missense variant is expected to disrupt HLCS protein function. In summary, the available evidence is currently insufficient to determine the role of this variant in disease. Therefore, it has been classified as a Variant of Uncertain Significance.

Natera, Inc.
Classification: Uncertain significance for Holocarboxylase synthetase deficiency. Last evaluated: 2020-02-26. Review status: no assertion criteria provided. Collection method: clinical testing. Allele origin: germline. Not counted in ClinVar's aggregate classification.